The following is an entry in ClinVar:

NM_004006.3(DMD):c.10348A>C (p.Ser3450Arg)

Gene: DMD (dystrophin; minus strand). Cytogenetic location: Xp21.2.
Variant type: single nucleotide variant.
Coding change: c.10348A>C on transcript NM_004006.3 (MANE Select); coding-DNA position 10348, A replaced by C.
Protein change: p.Ser3450Arg; replaces serine 3450 with arginine.
Molecular consequence: missense variant. On other transcripts: intron variant (2).
Genome position (GRCh38, 1-based): chrX:31,172,394, T>G on the plus strand (A>C on the coding strand, the complement: DMD is on the minus strand). VCF-style: chrX-31172394-T-G. GRCh37 (hg19) VCF-style: chrX-31190511-T-G.
Other names: c.10324A>C, p.Ser3442Arg (NM_000109.4); c.10336A>C, p.Ser3446Arg (NM_004009.3); c.9979A>C, p.Ser3327Arg (NM_004010.3); c.6325A>C, p.Ser2109Arg (NM_004011.4); c.6316A>C, p.Ser2106Arg (NM_004012.4); c.2968A>C, p.Ser990Arg (NM_004013.3, NM_004021.3); c.2161A>C, p.Ser721Arg (NM_004014.3); c.1144A>C, p.Ser382Arg (NM_004015.3, NM_004016.3); and 3 more; short protein forms S3327R, S2109R, S3450R, S382R, S721R, S2106R, S3446R, S369R.
Identifiers: ClinVar variation 2190099 (VCV002190099.4), dbSNP rs2519814688, ClinGen allele CA412652210.

ClinVar aggregate classification (germline): Uncertain significance (1 of 4 stars; one submission).

Conditions:
Duchenne muscular dystrophy (DMD). Also called: MUSCULAR DYSTROPHY, PSEUDOHYPERTROPHIC PROGRESSIVE, DUCHENNE TYPE; Duchenne Muscular Dystrophy (DMD). Identifiers: Orphanet 98896, MedGen C0013264, MONDO:0010679, OMIM 310200.

Submission:

Labcorp Genetics (formerly Invitae), Labcorp
Classification: Uncertain significance for Duchenne muscular dystrophy. Last evaluated: 2022-02-01. Review status: criteria provided, single submitter. Criteria: Invitae Variant Classification Sherloc (09022015). Collection method: clinical testing. Allele origin: germline.
Comment: This variant is not present in population databases (gnomAD no frequency). This sequence change replaces serine, which is neutral and polar, with arginine, which is basic and polar, at codon 3450 of the DMD protein (p.Ser3450Arg). This variant has not been reported in the literature in individuals affected with DMD-related conditions. Algorithms developed to predict the effect of missense changes on protein structure and function are either unavailable or do not agree on the potential impact of this missense change (SIFT: "Tolerated"; PolyPhen-2: "Possibly Damaging"; Align-GVGD: "Class C0"). In summary, the available evidence is currently insufficient to determine the role of this variant in disease. Therefore, it has been classified as a Variant of Uncertain Significance.